The following is an entry in ClinVar:

ClinVar aggregate classification (germline): Pathogenic (1 of 4 stars; one submission).

Allele frequency attached by ClinVar (database versions not stated): ExAC 0.00001; gnomAD 0.00001; TOPMed 0.00001.

Submission:

Labcorp Genetics (formerly Invitae), Labcorp
Classification: Pathogenic. Last evaluated: 2022-10-23. Review status: criteria provided, single submitter. Criteria: Invitae Variant Classification Sherloc (09022015). Collection method: clinical testing. Allele origin: germline.
Comment: This sequence change creates a premature translational stop signal (p.Ile99Metfs*11) in the CEP78 gene. It is expected to result in an absent or disrupted protein product. Loss-of-function variants in CEP78 are known to be pathogenic (PMID: 27588451, 27588452, 27627988). For these reasons, this variant has been classified as Pathogenic. ClinVar contains an entry for this variant (Variation ID: 938707). This variant has not been reported in the literature in individuals affected with CEP78-related conditions. This variant is present in population databases (rs780517670, gnomAD 0.001%).

Literature cited by the submitters: PubMed 27588451; PubMed 27588452; PubMed 27627988.

NM_001330691.3(CEP78):c.297_298del (p.Ile99fs)

Gene: CEP78 (centrosomal protein 78; plus strand). Cytogenetic location: 9q21.2.
Variant type: Deletion.
Coding change: c.297_298del on transcript NM_001330691.3 (MANE Select); coding-DNA positions 297 to 298, 2 bases deleted (AA; older notation c.297_298delAA).
Protein change: p.Ile99fs; shifts the reading frame from isoleucine 99.
Molecular consequence: frameshift variant.
Genome position (GRCh38, 1-based): chr9:78,240,066-78,240,067, AA deleted. VCF-style (leftmost placement, unchanged base first): chr9-78240065-TAA-T. GRCh37 (hg19) VCF-style: chr9-80854981-TAA-T.
Other names: c.297_298del, p.Ile99fs (NM_001098802.3, NM_001330693.3, NM_001330694.2 and 4 more transcripts); short protein forms I99fs.
Identifiers: ClinVar variation 938707 (VCV000938707.7), dbSNP rs780517670, ClinGen allele CA5094877.